The following is an entry in ClinVar:

NM_001042492.3(NF1):c.4586A>G (p.Lys1529Arg)

Gene: NF1 (neurofibromin 1; plus strand). Cytogenetic location: 17q11.2.
Variant type: single nucleotide variant.
Coding change: c.4586A>G on transcript NM_001042492.3 (MANE Select); coding-DNA position 4586, A replaced by G.
Protein change: p.Lys1529Arg; replaces lysine 1529 with arginine.
Molecular consequence: missense variant.
Genome position (GRCh38, 1-based): chr17:31,261,719, A>G. VCF-style: chr17-31261719-A-G. GRCh37 (hg19) VCF-style: chr17-29588737-A-G.
Other names: c.4523A>G, p.Lys1508Arg (NM_000267.4); short protein forms K1508R, K1529R.
Identifiers: ClinVar variation 547646 (VCV000547646.2), dbSNP rs1555619001, ClinGen allele CA399000121.

ClinVar aggregate classification (germline): Conflicting classifications of pathogenicity. Review status: criteria provided, conflicting classifications (1 of 4 stars). 2 submissions from 2 submitters: Pathogenic (1); Uncertain significance (1). Last evaluated 2026-04-22.

Conditions:
Neurofibromatosis, type 1 (NF1). Also called: VON RECKLINGHAUSEN DISEASE; Neurofibromatosis, type I; NEUROFIBROMATOSIS, TYPE I, SOMATIC; Peripheral type neurofibromatosis. Identifiers: Orphanet 636, MedGen C0027831, MONDO:0018975, OMIM 162200. Disease mechanism: loss of function.
Cardiovascular phenotype. Identifiers: MedGen CN230736.
Hereditary cancer-predisposing syndrome. Also called: Tumor predisposition; Hereditary Cancer Syndrome; Neoplastic Syndromes, Hereditary; Hereditary neoplastic syndrome. Identifiers: Orphanet 140162, MedGen C0027672, MeSH D009386, MONDO:0015356.

Submissions (2):

Ambry Genetics
Classification: Uncertain significance for Cardiovascular phenotype; Hereditary cancer-predisposing syndrome. Last evaluated: 2026-04-22. Review status: criteria provided, single submitter. Criteria: Ambry Variant Classification Scheme 2023. Collection method: clinical testing. Allele origin: germline.
Comment: The p.K1508R variant (also known as c.4523A>G), located in coding exon 34 of the NF1 gene, results from an A to G substitution at nucleotide position 4523. The lysine at codon 1508 is replaced by arginine, an amino acid with highly similar properties. This amino acid position is highly conserved in available vertebrate species. In addition, the in silico prediction for this alteration is inconclusive. Based on the available evidence, the clinical significance of this variant remains unclear.

Center for Human Genetics, Inc
Classification: Pathogenic for Neurofibromatosis, type 1. Last evaluated: 2016-11-01. Review status: criteria provided, single submitter. Criteria: ACMG Guidelines, 2015. Collection method: clinical testing. Allele origin: germline. Affected: yes.